The following is an entry in ClinVar:

NM_001318734.2(KLC2):c.1069C>T (p.Arg357Cys)

Genes: KLC2 (kinesin light chain 2; plus strand), KLC2-AS1 (KLC2 antisense RNA 1; minus strand). Cytogenetic location: 11q13.2.
Variant type: single nucleotide variant.
Coding change: c.1069C>T on transcript NM_001318734.2 (MANE Select); coding-DNA position 1069, C replaced by T.
Protein change: p.Arg357Cys; replaces arginine 357 with cysteine.
Molecular consequence: missense variant.
Genome position (GRCh38, 1-based): chr11:66,264,172, C>T. VCF-style: chr11-66264172-C-T. GRCh37 (hg19) VCF-style: chr11-66031643-C-T.
Other names: c.838C>T, p.Arg280Cys (NM_001134774.2); c.1069C>T, p.Arg357Cys (NM_001134775.2, NM_001134776.2, NM_022822.3); short protein forms R280C, R357C.
Identifiers: ClinVar variation 2057039 (VCV002057039.4), dbSNP rs751130289, ClinGen allele CA6117278.

ClinVar aggregate classification (germline): Uncertain significance (1 of 4 stars; one submission).

Allele frequency attached by ClinVar (database versions not stated): gnomAD 0.00001; TOPMed 0.00002; ExAC 0.00003.
gnomAD v4.1: 54 of 1,572,172 alleles (0.0034%); highest among the groups gnomAD compares: Non-Finnish European, 0.0041%; no homozygotes.

Submission:

Labcorp Genetics (formerly Invitae), Labcorp
Classification: Uncertain significance. Last evaluated: 2025-09-15. Review status: criteria provided, single submitter. Criteria: Invitae Variant Classification Sherloc (09022015). Collection method: clinical testing. Allele origin: germline.
Comment: This sequence change replaces arginine, which is basic and polar, with cysteine, which is neutral and slightly polar, at codon 357 of the KLC2 protein (p.Arg357Cys). This variant is present in population databases (rs751130289, gnomAD 0.008%). This variant has not been reported in the literature in individuals affected with KLC2-related conditions. ClinVar contains an entry for this variant (Variation ID: 2057039). An algorithm developed to predict the effect of missense changes on protein structure and function outputs the following: PolyPhen-2: "Benign". The cysteine amino acid residue is found in multiple mammalian species, which suggests that this missense change does not adversely affect protein function. In summary, the available evidence is currently insufficient to determine the role of this variant in disease. Therefore, it has been classified as a Variant of Uncertain Significance.